The following is an entry in ClinVar:

NM_003823.4(TNFRSF6B):c.628G>A (p.Glu210Lys)

Genes: RTEL1-TNFRSF6B (RTEL1-TNFRSF6B readthrough (NMD candidate); plus strand), TNFRSF6B (TNF receptor superfamily member 6b; plus strand). Cytogenetic location: 20q13.33.
Variant type: single nucleotide variant.
Coding change: c.628G>A on transcript NM_003823.4 (MANE Select); coding-DNA position 628, G replaced by A.
Protein change: p.Glu210Lys; replaces glutamic acid 210 with lysine.
Molecular consequence: missense variant. On other transcripts: non-coding transcript variant (1).
Genome position (GRCh38, 1-based): chr20:63,698,288, G>A. VCF-style: chr20-63698288-G-A. GRCh37 (hg19) VCF-style: chr20-62329641-G-A.
Other names: short protein forms E210K.
Identifiers: ClinVar variation 4759704 (VCV004759704.1).

ClinVar aggregate classification (germline): Uncertain significance (1 of 4 stars; one submission).

gnomAD v4.1: 4 of 1,610,822 alleles (0.00025%); highest among the groups gnomAD compares: Non-Finnish European, 0.00034%; no homozygotes.

Submission:

Labcorp Genetics (formerly Invitae), Labcorp
Classification: Uncertain significance. Last evaluated: 2025-06-03. Review status: criteria provided, single submitter. Criteria: Invitae Variant Classification Sherloc (09022015). Collection method: clinical testing. Allele origin: germline.
Comment: This sequence change replaces glutamic acid, which is acidic and polar, with lysine, which is basic and polar, at codon 210 of the TNFRSF6B protein (p.Glu210Lys). The frequency data for this variant in the population databases is considered unreliable, as metrics indicate poor data quality at this position in the gnomAD database. This variant has not been reported in the literature in individuals affected with TNFRSF6B-related conditions. An algorithm developed to predict the effect of missense changes on protein structure and function (PolyPhen-2) suggests that this variant is likely to be disruptive. In summary, the available evidence is currently insufficient to determine the role of this variant in disease. Therefore, it has been classified as a Variant of Uncertain Significance.